The following is an entry in ClinVar:

ClinVar aggregate classification (germline): Uncertain significance (1 of 4 stars; one submission).

Submission:

Labcorp Genetics (formerly Invitae), Labcorp
Classification: Uncertain significance. Last evaluated: 2025-03-18. Review status: criteria provided, single submitter. Criteria: Invitae Variant Classification Sherloc (09022015). Collection method: clinical testing. Allele origin: germline.
Comment: This sequence change replaces glutamic acid, which is acidic and polar, with glycine, which is neutral and non-polar, at codon 527 of the HDAC4 protein (p.Glu527Gly). This variant is not present in population databases (gnomAD no frequency). This variant has not been reported in the literature in individuals affected with HDAC4-related conditions. Invitae Evidence Modeling of protein sequence and biophysical properties (such as structural, functional, and spatial information, amino acid conservation, physicochemical variation, residue mobility, and thermodynamic stability) indicates that this missense variant is expected to disrupt HDAC4 protein function with a positive predictive value of 80%. In summary, the available evidence is currently insufficient to determine the role of this variant in disease. Therefore, it has been classified as a Variant of Uncertain Significance.

NM_001378414.1(HDAC4):c.1595A>G (p.Glu532Gly)

Gene: HDAC4 (histone deacetylase 4; minus strand). Cytogenetic location: 2q37.3.
Variant type: single nucleotide variant.
Coding change: c.1595A>G on transcript NM_001378414.1 (MANE Select); coding-DNA position 1595, A replaced by G.
Protein change: p.Glu532Gly; replaces glutamic acid 532 with glycine.
Molecular consequence: missense variant.
Genome position (GRCh38, 1-based): chr2:239,115,249, T>C on the plus strand (A>G on the coding strand, the complement: HDAC4 is on the minus strand). VCF-style: chr2-239115249-T-C. GRCh37 (hg19) VCF-style: chr2-240036945-T-C.
Other names: c.1595A>G, p.Glu532Gly (NM_001378415.1); c.1580A>G, p.Glu527Gly (NM_001378416.1, NM_001378417.1, NM_006037.4); short protein forms E532G, E527G.
Identifiers: ClinVar variation 3632682 (VCV003632682.2).